The following is an entry in ClinVar:

NM_003742.4(ABCB11):c.764G>A (p.Gly255Glu)

Gene: ABCB11 (ATP binding cassette subfamily B member 11; minus strand). Cytogenetic location: 2q31.1.
Variant type: single nucleotide variant.
Coding change: c.764G>A on transcript NM_003742.4 (MANE Select); coding-DNA position 764, G replaced by A.
Protein change: p.Gly255Glu; replaces glycine 255 with glutamic acid.
Molecular consequence: missense variant.
Genome position (GRCh38, 1-based): chr2:168,993,730, C>T on the plus strand (G>A on the coding strand, the complement: ABCB11 is on the minus strand). VCF-style: chr2-168993730-C-T. GRCh37 (hg19) VCF-style: chr2-169850240-C-T.
Other names: short protein forms G255E.
Identifiers: ClinVar variation 4846017 (VCV004846017.1).

ClinVar aggregate classification (germline): Uncertain significance (1 of 4 stars; one submission).

Conditions:
Familial intrahepatic cholestasis. Identifiers: Orphanet 284385, MedGen CN296401, MONDO:0017290.

Submission:

Genomenon, Inc
Classification: Uncertain significance for Familial intrahepatic cholestasis. Last evaluated: 2026-04-14. Review status: criteria provided, single submitter. Criteria: Genomenon Sequence Variant Interpretation Standards - Updated. Collection method: curation. Allele origin: germline. Affected: yes.
Comment: ABCB11 p.Gly255Glu (c.764G>A) is a missense variant that changes the amino acid at residue 255 from Glycine to Glutamic acid. This variant has been observed in at least one proband with an ABCB11-related disorder (PMID:36995996;31160058). It has been observed in trans with a pathogenic or likely pathogenic variant (PMID:31160058). It is absent or not present at a significant frequency in gnomAD. In conclusion, we classify ABCB11 p.Gly255Glu (c.764G>A) as a variant of uncertain significance.

Literature cited by the submitters: PubMed 36995996; PubMed 31160058.